The following is an entry in ClinVar:

NM_001080517.3(SETD5):c.2692G>A (p.Ala898Thr)

Gene: SETD5 (SET domain containing 5; plus strand). Cytogenetic location: 3p25.3.
Variant type: single nucleotide variant.
Coding change: c.2692G>A on transcript NM_001080517.3 (MANE Select); coding-DNA position 2692, G replaced by A.
Protein change: p.Ala898Thr; replaces alanine 898 with threonine.
Molecular consequence: missense variant.
Genome position (GRCh38, 1-based): chr3:9,464,640, G>A. VCF-style: chr3-9464640-G-A. GRCh37 (hg19) VCF-style: chr3-9506324-G-A.
Other names: c.2398G>A, p.Ala800Thr (NM_001292043.2, NM_001349451.2); short protein forms A800T, A898T.
Identifiers: ClinVar variation 1400655 (VCV001400655.9), dbSNP rs774430004, ClinGen allele CA2239500.
Genomic context (GRCh38, chr3:9,464,640, plus strand): 5'-GAAGAGGAGTGTCGAAATGGATACAGCCTCATGTTTTCACCAGTCACATCTCTTACTACT[G>A]CTAGTCGCTGCAACACTCCTCTACAGTTTGAGGTGATTTGGGTTTGGTTGCTGGGAGTGC-3'
Protein context (NP_001073986.1, residues 888-908): MFSPVTSLTT[Ala898Thr]SRCNTPLQFE

ClinVar aggregate classification (germline): Uncertain significance (1 of 4 stars; one submission).

Allele frequency attached by ClinVar (database versions not stated): gnomAD exomes 0.00001 and 0.00002; TOPMed 0.00001; ExAC 0.00002; gnomAD 0.00002.
gnomAD v4.1: 24 of 1,613,824 alleles (0.0015%); highest among the groups gnomAD compares: Non-Finnish European, 0.0019%; no homozygotes.

Submission:

Labcorp Genetics (formerly Invitae), Labcorp
Classification: Uncertain significance. Last evaluated: 2025-12-08. Review status: criteria provided, single submitter. Criteria: Invitae Variant Classification Sherloc (09022015). Collection method: clinical testing. Allele origin: germline.
Comment: This sequence change replaces alanine, which is neutral and non-polar, with threonine, which is neutral and polar, at codon 898 of the SETD5 protein (p.Ala898Thr). This variant is present in population databases (rs774430004, gnomAD 0.003%). This variant has not been reported in the literature in individuals affected with SETD5-related conditions. ClinVar contains an entry for this variant (Variation ID: 1400655). An algorithm developed to predict the effect of missense changes on protein structure and function outputs the following: PolyPhen-2: "Benign". The threonine amino acid residue is found in multiple mammalian species, which suggests that this missense change does not adversely affect protein function. In summary, the available evidence is currently insufficient to determine the role of this variant in disease. Therefore, it has been classified as a Variant of Uncertain Significance.